The following is an entry in ClinVar:

ClinVar aggregate classification (germline): Uncertain significance. Review status: criteria provided, multiple submitters, no conflicts (2 of 4 stars). 2 submissions from 2 submitters: Uncertain significance (2). Last evaluated 2024-08-02.

Conditions:
Hereditary cancer-predisposing syndrome. Also called: Tumor predisposition; Hereditary neoplastic syndrome; Neoplastic Syndromes, Hereditary; Hereditary Cancer Syndrome. Identifiers: Orphanet 140162, MedGen C0027672, MeSH D009386, MONDO:0015356.
Ataxia-telangiectasia syndrome (AT). Also called: Ataxia-telangiectasia, complementation group D; AT, COMPLEMENTATION GROUP C; ATAXIA-TELANGIECTASIA, COMPLEMENTATION GROUP A; ATAXIA-TELANGIECTASIA, FRESNO VARIANT; Ataxia-telangiectasia; LOUIS-BAR SYNDROME. Identifiers: Orphanet 100, MedGen C0004135, MONDO:0008840, OMIM 208900.

Submissions (2):

Ambry Genetics
Classification: Uncertain significance for Hereditary cancer-predisposing syndrome. Last evaluated: 2024-08-02. Review status: criteria provided, single submitter. Criteria: Ambry Variant Classification Scheme 2023. Collection method: clinical testing. Allele origin: germline.
Comment: The p.L2952P variant (also known as c.8855T>C), located in coding exon 61 of the ATM gene, results from a T to C substitution at nucleotide position 8855. The leucine at codon 2952 is replaced by proline, an amino acid with similar properties. This amino acid position is highly conserved in available vertebrate species. In addition, this alteration is predicted to be deleterious by in silico analysis. Based on the available evidence, the clinical significance of this variant remains unclear.

Labcorp Genetics (formerly Invitae), Labcorp
Classification: Uncertain significance for Ataxia-telangiectasia syndrome. Last evaluated: 2020-06-29. Review status: criteria provided, single submitter. Criteria: Invitae Variant Classification Sherloc (09022015). Collection method: clinical testing. Allele origin: germline.
Comment: This sequence change replaces leucine with proline at codon 2952 of the ATM protein (p.Leu2952Pro). The leucine residue is highly conserved and there is a moderate physicochemical difference between leucine and proline. This variant is not present in population databases (ExAC no frequency). This variant has not been reported in the literature in individuals with ATM-related conditions. Algorithms developed to predict the effect of missense changes on protein structure and function (SIFT, PolyPhen-2, Align-GVGD) all suggest that this variant is likely to be disruptive, but these predictions have not been confirmed by published functional studies and their clinical significance is uncertain. In summary, the available evidence is currently insufficient to determine the role of this variant in disease. Therefore, it has been classified as a Variant of Uncertain Significance.

NM_000051.4(ATM):c.8855T>C (p.Leu2952Pro)

Genes: ATM (ATM serine/threonine kinase; plus strand), C11orf65 (chromosome 11 open reading frame 65; minus strand). Cytogenetic location: 11q22.3.
Variant type: single nucleotide variant.
Coding change: c.8855T>C on transcript NM_000051.4 (MANE Select); coding-DNA position 8855, T replaced by C.
Protein change: p.Leu2952Pro; replaces leucine 2952 with proline.
Molecular consequence: missense variant. On other transcripts: intron variant (2).
Genome position (GRCh38, 1-based): chr11:108,365,086, T>C. VCF-style: chr11-108365086-T-C. GRCh37 (hg19) VCF-style: chr11-108235813-T-C.
Other names: c.8855T>C, p.Leu2952Pro (NM_001351834.2); c.640+20834A>G (NM_001330368.2); c.694+20834A>G (NM_001351110.2); short protein forms L2952P.
Identifiers: ClinVar variation 646553 (VCV000646553.12), dbSNP rs1591384283, ClinGen allele CA382529552.